The following is an entry in ClinVar:

ClinVar aggregate classification (germline): Uncertain significance (1 of 4 stars; one submission).

Conditions:
Agammaglobulinemia 3, autosomal recessive (AGM3). Also called: AGAMMAGLOBULINEMIA 3; AGAMMAGLOBULINEMIA, AUTOSOMAL RECESSIVE, DUE TO CD79A DEFECT. Identifiers: MedGen C3150751, MONDO:0013288, OMIM 613501.

Allele frequency attached by ClinVar (database versions not stated): TOPMed below 0.00001; gnomAD 0.00001.
gnomAD v4.1: 8 of 1,612,950 alleles (0.0005%); highest among the groups gnomAD compares: African/African-American, 0.0013%; no homozygotes.

Submission:

Labcorp Genetics (formerly Invitae), Labcorp
Classification: Uncertain significance for Agammaglobulinemia 3, autosomal recessive. Last evaluated: 2021-11-30. Review status: criteria provided, single submitter. Criteria: Invitae Variant Classification Sherloc (09022015). Collection method: clinical testing. Allele origin: germline.
Comment: In summary, the available evidence is currently insufficient to determine the role of this variant in disease. Therefore, it has been classified as a Variant of Uncertain Significance. This sequence change replaces glycine, which is neutral and non-polar, with serine, which is neutral and polar, at codon 120 of the CD79A protein (p.Gly120Ser). This variant is not present in population databases (gnomAD no frequency). This variant has not been reported in the literature in individuals affected with CD79A-related conditions. Algorithms developed to predict the effect of missense changes on protein structure and function (SIFT, PolyPhen-2, Align-GVGD) all suggest that this variant is likely to be disruptive.

NM_001783.4(CD79A):c.358G>A (p.Gly120Ser)

Genes: CD79A (CD79a molecule; plus strand), RPS19-CD79A (RPS19-CD79A readthrough; plus strand). Cytogenetic location: 19q13.2.
Variant type: single nucleotide variant.
Coding change: c.358G>A on transcript NM_001783.4 (MANE Select); coding-DNA position 358, G replaced by A.
Protein change: p.Gly120Ser; replaces glycine 120 with serine.
Molecular consequence: missense variant. On other transcripts: intron variant (1).
Genome position (GRCh38, 1-based): chr19:41,879,268, G>A. VCF-style: chr19-41879268-G-A. GRCh37 (hg19) VCF-style: chr19-42383338-G-A.
Other names: c.265+93G>A (NM_021601.4); short protein forms G120S.
Identifiers: ClinVar variation 1471307 (VCV001471307.6), dbSNP rs782282654, ClinGen allele CA406034687.